The following is an entry in ClinVar:

NM_004329.3(BMPR1A):c.367G>A (p.Glu123Lys)

Gene: BMPR1A (bone morphogenetic protein receptor type 1A; plus strand). Cytogenetic location: 10q23.2.
Variant type: single nucleotide variant.
Coding change: c.367G>A on transcript NM_004329.3 (MANE Select); coding-DNA position 367, G replaced by A.
Protein change: p.Glu123Lys; replaces glutamic acid 123 with lysine.
Molecular consequence: missense variant.
Genome position (GRCh38, 1-based): chr10:86,899,827, G>A. VCF-style: chr10-86899827-G-A. GRCh37 (hg19) VCF-style: chr10-88659584-G-A.
Other names: short protein forms E123K.
Identifiers: ClinVar variation 972176 (VCV000972176.11), dbSNP rs1843280822, ClinGen allele CA377449409.

ClinVar aggregate classification (germline): Uncertain significance. Review status: criteria provided, multiple submitters, no conflicts (2 of 4 stars). 2 submissions from 2 submitters: Uncertain significance (2). Last evaluated 2026-07-06.

Conditions:
Hereditary cancer-predisposing syndrome. Also called: Tumor predisposition; Hereditary Cancer Syndrome; Hereditary neoplastic syndrome; Neoplastic Syndromes, Hereditary. Identifiers: Orphanet 140162, MedGen C0027672, MeSH D009386, MONDO:0015356.
Juvenile polyposis syndrome (JPS). Identifiers: Orphanet 2929, MedGen C0345893, MONDO:0017380, OMIM 174900.

Submissions (2):

Ambry Genetics
Classification: Uncertain significance for Hereditary cancer-predisposing syndrome. Last evaluated: 2026-07-06. Review status: criteria provided, single submitter. Criteria: Ambry Variant Classification Scheme 2023. Collection method: clinical testing. Allele origin: germline.
Comment: The p.E123K variant (also known as c.367G>A), located in coding exon 4 of the BMPR1A gene, results from a G to A substitution at nucleotide position 367. The glutamic acid at codon 123 is replaced by lysine, an amino acid with similar properties. This amino acid position is conserved. In addition, this alteration is predicted to be deleterious by in silico analysis. Based on the available evidence, the clinical significance of this variant remains unclear.

Labcorp Genetics (formerly Invitae), Labcorp
Classification: Uncertain significance for Juvenile polyposis syndrome. Last evaluated: 2019-09-30. Review status: criteria provided, single submitter. Criteria: Invitae Variant Classification Sherloc (09022015). Collection method: clinical testing. Allele origin: germline.
Comment: This sequence change replaces glutamic acid with lysine at codon 123 of the BMPR1A protein (p.Glu123Lys). The glutamic acid residue is moderately conserved and there is a small physicochemical difference between glutamic acid and lysine. This variant is not present in population databases (ExAC no frequency). This variant has not been reported in the literature in individuals with BMPR1A-related conditions. Algorithms developed to predict the effect of missense changes on protein structure and function are either unavailable or do not agree on the potential impact of this missense change (SIFT: "Tolerated"; PolyPhen-2: "Possibly Damaging"; Align-GVGD: "Class C0"). In summary, the available evidence is currently insufficient to determine the role of this variant in disease. Therefore, it has been classified as a Variant of Uncertain Significance.